The following is an entry in ClinVar:

ClinVar aggregate classification (germline): Benign/Likely benign. Review status: criteria provided, multiple submitters, no conflicts (2 of 4 stars). 2 submissions from 2 submitters: Benign (1); Likely benign (1). Last evaluated 2025-05-07.

Conditions:
Tuberous sclerosis 2 (TSC2). Identifiers: Orphanet 805, MedGen C1860707, MONDO:0013199, OMIM 613254.
Hereditary cancer-predisposing syndrome. Also called: Hereditary Cancer Syndrome; Hereditary neoplastic syndrome; Tumor predisposition; Neoplastic Syndromes, Hereditary. Identifiers: Orphanet 140162, MedGen C0027672, MeSH D009386, MONDO:0015356.

Submissions (2):

Myriad Genetics, Inc.
Classification: Benign for Tuberous sclerosis 2. Last evaluated: 2025-05-07. Review status: criteria provided, single submitter. Criteria: Myriad Autosomal Dominant, Autosomal Recessive and X-Linked Classification Criteria (2023). Collection method: clinical testing. Allele origin: unknown.
Comment: This variant is considered benign. This variant is a silent/synonymous amino acid change and it is not expected to impact splicing.

Ambry Genetics
Classification: Likely benign for Hereditary cancer-predisposing syndrome. Last evaluated: 2025-01-17. Review status: criteria provided, single submitter. Criteria: Ambry Variant Classification Scheme 2023. Collection method: clinical testing. Allele origin: germline.

NM_000548.5(TSC2):c.513C>T (p.Gly171=)

Gene: TSC2 (TSC complex subunit 2; plus strand). Cytogenetic location: 16p13.3.
Variant type: single nucleotide variant.
Coding change: c.513C>T on transcript NM_000548.5 (MANE Select); coding-DNA position 513, C replaced by T.
Protein change: p.Gly171=; no amino-acid change (glycine 171 retained).
Molecular consequence: synonymous variant. On other transcripts: 5 prime UTR variant (13), non-coding transcript variant (5), intron variant (6).
Genome position (GRCh38, 1-based): chr16:2,055,433, C>T. VCF-style: chr16-2055433-C-T. GRCh37 (hg19) VCF-style: chr16-2105434-C-T.
Other names: c.-1135C>T (NM_001406693.1); c.-800C>T (NM_001406694.1, NM_001406695.1); c.-907C>T (NM_001406696.1); c.-919C>T (NM_001406697.1, NM_001406689.1, NM_001406690.1 and 2 more transcripts); c.-1095C>T (NM_001406698.1); c.513C>T, p.Gly171= (NM_021055.3, NM_001077183.3, NM_001114382.3 and 8 more transcripts); c.-1-763C>T (NM_001406682.1, NM_001406684.1, NM_001406685.1 and 3 more transcripts); c.402C>T, p.Gly134= (NM_001318827.2, NM_001406670.1, NM_001406678.1); and 6 more.
Identifiers: ClinVar variation 3811341 (VCV003811341.2).